The following is an entry in ClinVar:

NM_033123.4(PLCZ1):c.1154G>A (p.Arg385Gln)

Genes: PIK3C2G (phosphatidylinositol-4-phosphate 3-kinase catalytic subunit type 2 gamma; plus strand), PLCZ1 (phospholipase C zeta 1; minus strand). Cytogenetic location: 12p12.3.
Variant type: single nucleotide variant.
Coding change: c.1154G>A on transcript NM_033123.4 (MANE Select); coding-DNA position 1154, G replaced by A.
Protein change: p.Arg385Gln; replaces arginine 385 with glutamine.
Molecular consequence: missense variant.
Genome position (GRCh38, 1-based): chr12:18,699,814, C>T on the plus strand (G>A on the coding strand, the complement: PLCZ1 is on the minus strand). VCF-style: chr12-18699814-C-T. GRCh37 (hg19) VCF-style: chr12-18852748-C-T.
Other names: c.575G>A, p.Arg192Gln (NM_001330769.1); c.842G>A, p.Arg281Gln (NM_001330774.2); short protein forms R281Q, R385Q, R192Q.
Identifiers: ClinVar variation 1031034 (VCV001031034.1), dbSNP rs758890842, ClinGen allele CA6471256.

ClinVar aggregate classification (germline): Uncertain significance (1 of 4 stars; one submission).

Conditions:
Spermatogenic failure 17 (SPGF17). Also called: MALE INFERTILITY DUE TO OOCYTE ACTIVATION FAILURE. Identifiers: MedGen C4310666, MONDO:0014970, OMIM 617214.

Allele frequency attached by ClinVar (database versions not stated): gnomAD 0.00001; TOPMed 0.00002; gnomAD exomes 0.00003 and 0.00006; ExAC 0.00006.
gnomAD v4.1: 51 of 1,613,260 alleles (0.0032%); highest among the groups gnomAD compares: Middle Eastern, 0.033%; 1 homozygote.

Submission:

Baylor Genetics
Classification: Uncertain significance for Spermatogenic failure 17. Last evaluated: 2020-05-05. Review status: criteria provided, single submitter. Criteria: ACMG Guidelines, 2015. Collection method: clinical testing. Allele origin: unknown. Affected: yes.
Comment: This variant was determined to be of uncertain significance according to ACMG Guidelines, 2015 [PMID:25741868].